The following is an entry in ClinVar:

ClinVar aggregate classification (germline): Uncertain significance (1 of 4 stars; one submission).

Conditions:
Hereditary cancer-predisposing syndrome. Also called: Neoplastic Syndromes, Hereditary; Tumor predisposition; Hereditary neoplastic syndrome; Hereditary Cancer Syndrome. Identifiers: Orphanet 140162, MedGen C0027672, MeSH D009386, MONDO:0015356.

gnomAD v4.1: 2 of 1,613,770 alleles (0.00012%); highest among the groups gnomAD compares: Non-Finnish European, 0.00017%; no homozygotes.

Submission:

Ambry Genetics
Classification: Uncertain significance for Hereditary cancer-predisposing syndrome. Last evaluated: 2026-07-07. Review status: criteria provided, single submitter. Criteria: Ambry Variant Classification Scheme 2023. Collection method: clinical testing. Allele origin: germline.
Comment: The p.P387S variant (also known as c.1159C>T), located in coding exon 5 of the BLM gene, results from a C to T substitution at nucleotide position 1159. The proline at codon 387 is replaced by serine, an amino acid with similar properties. This amino acid position is conserved. In addition, this alteration is predicted to be tolerated by in silico analysis. Based on the available evidence, the clinical significance of this variant remains unclear.

NM_000057.4(BLM):c.1159C>T (p.Pro387Ser)

Gene: BLM (BLM RecQ like helicase; plus strand). Cytogenetic location: 15q26.1.
Variant type: single nucleotide variant.
Coding change: c.1159C>T on transcript NM_000057.4 (MANE Select); coding-DNA position 1159, C replaced by T.
Protein change: p.Pro387Ser; replaces proline 387 with serine.
Molecular consequence: missense variant.
Genome position (GRCh38, 1-based): chr15:90,760,218, C>T. VCF-style: chr15-90760218-C-T. GRCh37 (hg19) VCF-style: chr15-91303448-C-T.
Other names: c.1159C>T, p.Pro387Ser (NM_001287246.2, NM_001287247.2); c.34C>T, p.Pro12Ser (NM_001287248.2); short protein forms P387S, P12S.
Identifiers: ClinVar variation 5032896 (VCV005032896.1).